The following is an entry in ClinVar:

ClinVar aggregate classification (germline): Likely benign (1 of 4 stars; one submission).

Allele frequency attached by ClinVar (database versions not stated): gnomAD 0.00052; gnomAD exomes 0.00054 and 0.00064; ESP Exome Variant Server 0.00057; ExAC 0.00081.

Submission:

CeGaT Center for Human Genetics Tuebingen
Classification: Likely benign. Last evaluated: 2026-01-01. Review status: criteria provided, single submitter. Criteria: CeGaT Center For Human Genetics Tuebingen Variant Classification Criteria Version 2. Collection method: clinical testing. Allele origin: germline. Affected: yes. Observed: 10 variant alleles.
Comment: SORD: BP4, BP7

NM_003104.6(SORD):c.936G>A (p.Ala312=)

Gene: SORD (sorbitol dehydrogenase; plus strand). Cytogenetic location: 15q21.1.
Variant type: single nucleotide variant.
Coding change: c.936G>A on transcript NM_003104.6 (MANE Select); coding-DNA position 936, G replaced by A.
Protein change: p.Ala312=; no amino-acid change (alanine 312 retained).
Molecular consequence: synonymous variant. On other transcripts: non-coding transcript variant (1).
Genome position (GRCh38, 1-based): chr15:45,073,392, G>A. VCF-style: chr15-45073392-G-A. GRCh37 (hg19) VCF-style: chr15-45365590-G-A.
Identifiers: ClinVar variation 1694742 (VCV001694742.31), dbSNP rs375048750, ClinGen allele CA7537385.